The following is an entry in ClinVar:

NM_001126108.2(SLC12A3):c.2864G>A (p.Arg955Gln)

Gene: SLC12A3 (solute carrier family 12 member 3; plus strand). Cytogenetic location: 16q13.
Variant type: single nucleotide variant.
Coding change: c.2864G>A on transcript NM_001126108.2 (MANE Select); coding-DNA position 2864, G replaced by A.
Protein change: p.Arg955Gln; replaces arginine 955 with glutamine.
Molecular consequence: missense variant.
Genome position (GRCh38, 1-based): chr16:56,904,402, G>A. VCF-style: chr16-56904402-G-A. GRCh37 (hg19) VCF-style: chr16-56938314-G-A.
Other names: c.2891G>A, p.Arg964Gln (NM_000339.3); c.2888G>A, p.Arg963Gln (NM_001126107.2); c.2864G>A (NM_001126108.1); short protein forms R964Q, R955Q, R963Q.
Identifiers: ClinVar variation 417864 (VCV000417864.59), dbSNP rs202114767, ClinGen allele CA8070132.

ClinVar aggregate classification (germline): Pathogenic/Likely pathogenic. Review status: criteria provided, multiple submitters, no conflicts (2 of 4 stars). 17 submissions from 17 submitters: Pathogenic (12); Likely pathogenic (3). 2 of the submissions do not count toward it. Last evaluated 2026-09-11.

Conditions:
Inborn genetic diseases. Identifiers: MedGen C0950123, MeSH D030342.
Renal tubulopathies.
Familial hypokalemia-hypomagnesemia (GTLMNS). Also called: POTASSIUM AND MAGNESIUM DEPLETION; HYPOMAGNESEMIA-HYPOKALEMIA, PRIMARY RENOTUBULAR, WITH HYPOCALCIURIA; gitelman syndrome. Identifiers: Orphanet 358, MedGen C0268450, MONDO:0009904, OMIM 263800.
SLC12A3-related disorder. Also called: SLC12A3-related condition.

Allele frequency attached by ClinVar (database versions not stated): ESP Exome Variant Server 0.00015; gnomAD exomes 0.00015 and 0.00012; TOPMed 0.00009; gnomAD 0.00008; ExAC 0.00018.
gnomAD v4.1: 192 of 1,613,828 alleles (0.012%); highest among the groups gnomAD compares: East Asian, 0.029%; no homozygotes.

Submissions 1 to 13 of 18:

Genetics Laboratory, Great Ormond Street Hospital NHS Foundation Trust, North Thames Genomic Laboratory Hub
Classification: Pathogenic for Renal tubulopathies. Last evaluated: 2026-09-11. Review status: criteria provided, single submitter. Criteria: ACGS Best Practice Guidelines for Variant Classification in Rare Disease 2024 v1.2. Collection method: clinical testing. Allele origin: germline. Affected: yes.
Comment: PM2_moderate, PP3_supporting, PS3_moderate, PM3_strong, PP4_supporting

Labcorp Genetics (formerly Invitae), Labcorp
Classification: Pathogenic. Last evaluated: 2025-11-28. Review status: criteria provided, single submitter. Criteria: Invitae Variant Classification Sherloc (09022015). Collection method: clinical testing. Allele origin: germline.
Comment: This sequence change replaces arginine, which is basic and polar, with glutamine, which is neutral and polar, at codon 964 of the SLC12A3 protein (p.Arg964Gln). This variant is present in population databases (rs202114767, gnomAD 0.2%). This missense change has been observed in individuals with Gitelman syndrome (PMID: 8528245, 17654016, 21415153, 22214629, 30596175). It has also been observed to segregate with disease in related individuals. This variant is also known as p.Arg955Gln. ClinVar contains an entry for this variant (Variation ID: 417864). Invitae Evidence Modeling of protein sequence and biophysical properties (such as structural, functional, and spatial information, amino acid conservation, physicochemical variation, residue mobility, and thermodynamic stability) indicates that this missense variant is expected to disrupt SLC12A3 protein function with a positive predictive value of 95%. Experimental studies have shown that this missense change affects SLC12A3 function (PMID: 12039972). For these reasons, this variant has been classified as Pathogenic.

Natera, Inc.
Classification: Pathogenic for Gitelman syndrome. Last evaluated: 2025-11-17. Review status: criteria provided, single submitter. Criteria: Natera Variant Classification Schema (03/2026). Collection method: clinical testing. Allele origin: germline.
Comment: The c.2891G>A variant in SLC12A3 is a missense variant predicted to cause substitution of arginine to glutamine at amino acid 964. This variant is rare in the general population with a frequency below the threshold expected for the associated phenotype(s). This variant has been observed in one or more individuals affected with the associated recessive disease, as either homozygous or compound heterozygous with a second variant (PMID: 30596175, 19508680). Computational prediction algorithms indicate this variant is likely to affect gene or protein function. Given the available evidence, this variant is classified as Pathogenic.

PreventionGenetics, part of Exact Sciences
Classification: Likely pathogenic for SLC12A3-related condition. Last evaluated: 2025-11-05. Review status: criteria provided, single submitter. Criteria: ACMG Guidelines, 2015. Collection method: clinical testing. Allele origin: germline.
Comment: The SLC12A3 c.2891G>A variant is predicted to result in the amino acid substitution p.Arg964Gln. This variant, also known as p.Arg955Gln, has been reported in many unrelated individuals with Gitelman syndrome (Simon et al 1996. PubMed ID: 8528245; Fava C et al 2007. PubMed ID: 17654016; Ji W et al 2008. PubMed ID: 18391953; Glaudemans B et al 2011. PubMed ID: 22009145; Vargas-Poussou R et al 2011. PubMed ID: 21415153; Ito Y et al 2012. PubMed ID: 22214629; Supplementary Table 1, Fujimura J et al 2018. PubMed ID: 30596175; Table S4, Mori T et al 2020. PubMed ID: 33348466). Functional studies of this variant exhibited significant reduced metolazone-sensitive 22Na+ uptake compared with wild-type (De Jong JC et al 2002. PubMed ID: 12039972). This variant is reported in 0.17% of alleles in individuals of Ashkenazi Jewish descent in gnomAD. This variant is interpreted as likely pathogenic.

GeneDx
Classification: Likely pathogenic. Last evaluated: 2024-10-16. Review status: criteria provided, single submitter. Criteria: GeneDx Variant Classification Process June 2021. Collection method: clinical testing. Allele origin: germline. Affected: yes.
Comment: In silico analysis supports that this missense variant has a deleterious effect on protein structure/function; This variant is associated with the following publications: (PMID: 12039972, 8528245, 21415153, 15206555, 18391953, 31589614, 22214629, 35327948, 19508680, 30596175, 33348466, 30476936, 35785516, Yanan2023[noPMID], 17654016, 22009145, 35591852)

Blueprint Genetics
Classification: Pathogenic for SLC12A3-related disorders. Last evaluated: 2024-10-07. Review status: criteria provided, single submitter. Criteria: ACMG Guidelines, 2015. Collection method: clinical testing. Allele origin: germline. Affected: yes. Observed: 5 variant alleles.

CeGaT Center for Human Genetics Tuebingen
Classification: Pathogenic. Last evaluated: 2023-08-01. Review status: criteria provided, single submitter. Criteria: CeGaT Center For Human Genetics Tuebingen Variant Classification Criteria Version 2. Collection method: clinical testing. Allele origin: germline. Affected: yes. Observed: 1 variant allele.
Comment: SLC12A3: PM3:Very Strong, PM2, PM5, PS3:Supporting, BP4

Victorian Clinical Genetics Services, Murdoch Childrens Research Institute
Classification: Pathogenic for Familial hypokalemia-hypomagnesemia. Last evaluated: 2023-07-16. Review status: criteria provided, single submitter. Criteria: ACMG Guidelines, 2015. Collection method: clinical testing. Allele origin: germline. Inheritance: Autosomal dominant inheritance. Affected: yes.
Comment: Based on the classification scheme VCGS_Germline_v1.3.4, this variant is classified as Pathogenic. Following criteria are met: 0102 - Loss of function is a known mechanism of disease in this gene and is associated with Gitelman syndrome (MIM#263800). (I) 0106 - This gene is associated with autosomal recessive disease. (I) 0200 - Variant is predicted to result in a missense amino acid change from arginine to glutamine. (I) 0252 - This variant is homozygous. (I) 0304 - Variant is present in gnomAD (v2) <0.01 for a recessive condition (41 heterozygotes, 0 homozygotes). (SP) 0309 - An alternative amino acid change at the same position has been observed in gnomAD (v2) (12 heterozygotes, 0 homozygotes). (I) 0501 - Missense variant consistently predicted to be damaging by multiple in silico tools or highly conserved with a major amino acid change. (SP) 0600 - Variant is located in the annotated SLC12 family domain (DECIPHER). (I) 0703 - Another missense variant comparable to the one identified in this case has moderate previous evidence for pathogenicity. p.(Arg955Trp) has been observed in several individuals with Gitelman syndrome (PMIDs: 21415153). (SP) 0801 - This variant has strong previous evidence of pathogenicity in unrelated individuals. This variant has been classified as pathogenic and likely pathogenic by several clinical laboratories in ClinVar, and has been observed as compound heterozygous in individuals with Gitelman syndrome (LOVD, PMIDs: 21415153, 22214629). This variant has also been previously reported along with two other SLC12A3 variants, p.(Pro643Leu) and p.(Ser28Argfs*19), in one individual with Gitelman syndrome (PMID: 21415153). (SP) 1208 - Inheritance information for this variant is not currently available in this individual. (I) Legend: (SP) - Supporting pathogenic, (I) - Information, (SB) - Supporting benign

Revvity Omics, Revvity
Classification: Pathogenic for Familial hypokalemia-hypomagnesemia. Last evaluated: 2023-05-19. Review status: criteria provided, single submitter. Criteria: ACMG Guidelines, 2015. Collection method: clinical testing. Allele origin: germline.

Clinical Genetics Laboratory, Skane University Hospital Lund
Classification: Pathogenic. Last evaluated: 2022-07-13. Review status: criteria provided, single submitter. Criteria: ACMG Guidelines, 2015. Collection method: clinical testing. Allele origin: germline. Affected: yes.

Fulgent Genetics
Classification: Pathogenic for Familial hypokalemia-hypomagnesemia. Last evaluated: 2022-05-10. Review status: criteria provided, single submitter. Criteria: ACMG Guidelines, 2015. Collection method: clinical testing. Allele origin: unknown.

Genome-Nilou Lab
Classification: Likely pathogenic for Familial hypokalemia-hypomagnesemia. Last evaluated: 2021-07-15. Review status: criteria provided, single submitter. Criteria: ACMG Guidelines, 2015. Collection method: clinical testing. Allele origin: germline. Affected: no.

Athena Diagnostics
Classification: Pathogenic. Last evaluated: 2020-12-15. Review status: criteria provided, single submitter. Criteria: Athena Diagnostics criteria. Collection method: clinical testing. Allele origin: unknown.
Comment: The frequency of this variant in the general population is consistent with pathogenicity. Assessment of experimental evidence suggests this variant results in abnormal protein function. Study showed this variant to significantly reduce sodium uptake compared to wild-type (PMID: 12039972). In multiple individuals, this variant has been seen with a single recessive pathogenic variant in the same gene, suggesting this variant may also be pathogenic.